The following is an entry in ClinVar:

ClinVar aggregate classification (germline): Uncertain significance. Review status: criteria provided, multiple submitters, no conflicts (2 of 4 stars). 2 submissions from 2 submitters: Uncertain significance (2). Last evaluated 2026-03-03.

Submissions (2):

GeneDx
Classification: Uncertain significance. Last evaluated: 2026-03-03. Review status: criteria provided, single submitter. Criteria: GeneDx Variant Classification Process June 2021. Collection method: clinical testing. Allele origin: germline.
Comment: In-frame deletion of 6 amino acid(s) in a non-repeat region; In silico analysis supports a deleterious effect on protein structure/function; Has not been previously published as pathogenic or benign to our knowledge

Blueprint Genetics
Classification: Uncertain significance. Last evaluated: 2021-11-24. Review status: criteria provided, single submitter. Criteria: ACMG Guidelines, 2015. Collection method: clinical testing. Allele origin: germline.

NM_001031679.3(MSRB3):c.86_103del (p.Arg29_Cys34del)

Gene: MSRB3 (methionine sulfoxide reductase B3; plus strand). Cytogenetic location: 12q14.3.
Variant type: Deletion.
Coding change: c.86_103del on transcript NM_001031679.3 (MANE Select); coding-DNA positions 86 to 103, 18 bases deleted (GGGATAAAAAGAACTGTA).
Protein change: p.Arg29_Cys34del.
Molecular consequence: inframe deletion.
Genome position (GRCh38, 1-based): chr12:65,326,835-65,326,852, GGGATAAAAAGAACTGTA deleted; deleting any 18 consecutive bases within chr12:65,326,831-65,326,852 gives the same sequence; the c. name uses the placement nearest the transcript's 3' end. VCF-style (leftmost placement, unchanged base first): chr12-65326830-GTGTAGGGATAAAAAGAAC-G. GRCh37 (hg19) VCF-style: chr12-65720610-GTGTAGGGATAAAAAGAAC-G.
Other names: c.86_103del, p.Arg29_Cys34del (NM_001193460.2, NM_001193461.2); c.107_124del, p.Arg36_Cys41del (NM_198080.4).
Identifiers: ClinVar variation 4888111 (VCV004888111.2).